The following is an entry in ClinVar:

ClinVar aggregate classification (germline): Conflicting classifications of pathogenicity. Review status: criteria provided, conflicting classifications (1 of 4 stars). 3 submissions from 3 submitters: Uncertain significance (1); Likely benign (1). 1 of the submissions does not count toward it. Last evaluated 2025-10-21.

Conditions:
Glycogen storage disease, type VI (GSD6). Also called: Glycogen storage disease type 6, due to phosphorylation; GSD VI; Hepatic glycogen phosphorylase deficiency; Glycogen storage disease type 6; HERS DISEASE; PHOSPHORYLASE DEFICIENCY GLYCOGEN-STORAGE DISEASE OF LIVER. Identifiers: Orphanet 369, MedGen C0017925, MONDO:0009294, OMIM 232700.
PYGL-related disorder. Also called: PYGL-related condition.

Allele frequency attached by ClinVar (database versions not stated): gnomAD exomes 0.00008 and 0.00018; ExAC 0.00028; gnomAD 0.00071 and 0.00072; TOPMed 0.00081; ESP Exome Variant Server 0.00092; 1000 Genomes Project 0.00140; 1000 Genomes Project 30x 0.00172.
gnomAD v4.1: 226 of 1,613,642 alleles (0.014%); highest among the groups gnomAD compares: African/African-American, 0.27%; 1 homozygote.

Submissions (3):

Labcorp Genetics (formerly Invitae), Labcorp
Classification: Likely benign for Glycogen storage disease, type VI. Last evaluated: 2025-10-21. Review status: criteria provided, single submitter. Criteria: Invitae Variant Classification Sherloc (09022015). Collection method: clinical testing. Allele origin: germline.

Mayo Clinic Laboratories, Mayo Clinic
Classification: Uncertain significance. Last evaluated: 2021-12-02. Review status: criteria provided, single submitter. Criteria: ACMG Guidelines, 2015. Collection method: clinical testing. Allele origin: germline.

PreventionGenetics, part of Exact Sciences
Classification: Likely benign for PYGL-related condition. Last evaluated: 2024-04-24. Review status: no assertion criteria provided. Collection method: clinical testing. Allele origin: germline. Not counted in ClinVar's aggregate classification.
Comment: This variant is classified as likely benign based on ACMG/AMP sequence variant interpretation guidelines (Richards et al. 2015 PMID: 25741868, with internal and published modifications).

NM_002863.5(PYGL):c.1981A>G (p.Thr661Ala)

Gene: PYGL (glycogen phosphorylase L; minus strand). Cytogenetic location: 14q22.1.
Variant type: single nucleotide variant.
Coding change: c.1981A>G on transcript NM_002863.5 (MANE Select); coding-DNA position 1981, A replaced by G.
Protein change: p.Thr661Ala; replaces threonine 661 with alanine.
Molecular consequence: missense variant.
Genome position (GRCh38, 1-based): chr14:50,910,091, T>C on the plus strand (A>G on the coding strand, the complement: PYGL is on the minus strand). VCF-style: chr14-50910091-T-C. GRCh37 (hg19) VCF-style: chr14-51376809-T-C.
Other names: p.Thr661Ala; c.1879A>G, p.Thr627Ala (NM_001163940.2); c.1981A>G (NM_002863.4); short protein forms T627A, T661A.
Identifiers: ClinVar variation 1103947 (VCV001103947.13), dbSNP rs142483613, ClinGen allele CA7183257.
Genomic context (GRCh38, chr14:50,910,091, plus strand): 5'-TCATATTGCCTGTCCCCGAGGCTTCGGTGCCTGCAGTGGAAATCTGCTCTGACAGATCTG[T>C]GGCTGGAATGACTGCAAGAAAGGTAAGTTAAAATTAGTAATTTTGTCTGTCTAGATCTGC-3'
Protein context (NP_002854.3, residues 651-671): VSLAEKVIPA[Thr661Ala]DLSEQISTAG